The following is an entry in ClinVar:

NM_001363540.2(DOCK4):c.4461T>C (p.Asn1487=)

Gene: DOCK4 (dedicator of cytokinesis 4; minus strand). Cytogenetic location: 7q31.1.
Variant type: single nucleotide variant.
Coding change: c.4461T>C on transcript NM_001363540.2 (MANE Select); coding-DNA position 4461, T replaced by C.
Protein change: p.Asn1487=; no amino-acid change (asparagine 1487 retained).
Molecular consequence: synonymous variant.
Genome position (GRCh38, 1-based): chr7:111,747,399, A>G on the plus strand (T>C on the coding strand, the complement: DOCK4 is on the minus strand). VCF-style: chr7-111747399-A-G. GRCh37 (hg19) VCF-style: chr7-111387455-A-G.
Other names: c.4434T>C, p.Asn1478= (NM_014705.4).
Identifiers: ClinVar variation 5041471 (VCV005041471.1).

ClinVar aggregate classification (germline): Likely benign (1 of 4 stars; one submission).

gnomAD v4.1: 58 of 1,610,770 alleles (0.0036%); highest among the groups gnomAD compares: Admixed American, 0.097%; 1 homozygote.

Submission:

CeGaT Center for Human Genetics Tuebingen
Classification: Likely benign. Last evaluated: 2026-09-01. Review status: criteria provided, single submitter. Criteria: CeGaT Center For Human Genetics Tuebingen Variant Classification Criteria Version 2. Collection method: clinical testing. Allele origin: germline. Affected: yes. Observed: 1 variant allele.
Comment: DOCK4: BP4, BP7